The following is an entry in ClinVar:

NM_000532.5(PCCB):c.929C>A (p.Ser310Ter)

Gene: PCCB (propionyl-CoA carboxylase subunit beta; plus strand). Cytogenetic location: 3q22.3.
Variant type: single nucleotide variant.
Coding change: c.929C>A on transcript NM_000532.5 (MANE Select); coding-DNA position 929, C replaced by A.
Protein change: p.Ser310Ter; replaces serine 310 with a stop codon.
Molecular consequence: nonsense.
Genome position (GRCh38, 1-based): chr3:136,301,074, C>A. VCF-style: chr3-136301074-C-A. GRCh37 (hg19) VCF-style: chr3-136019916-C-A.
Other names: c.989C>A, p.Ser330Ter (NM_001178014.2); short protein forms S310*, S330*.
Identifiers: ClinVar variation 4059308 (VCV004059308.2).
Genomic context (GRCh38, chr3:136,301,074, plus strand): 5'-TTTTTTCTGCCTAAAGTGACCGTCTGGTTCCTGAGCTTGACACAATTGTCCCTTTGGAAT[C>A]AACCAAAGCCTACAACATGGTGGACATCATACACTCTGTAAGTGCCACATCTGTTTGTCT-3'

ClinVar aggregate classification (germline): Likely pathogenic (1 of 4 stars; one submission).

Conditions:
Propionic acidemia (PROP). Also called: GLYCINEMIA, KETOTIC; HYPERGLYCINEMIA WITH KETOACIDOSIS AND LEUKOPENIA; KETOTIC HYPERGLYCINEMIA. Identifiers: Orphanet 35, MedGen C0268579, MONDO:0011628, OMIM 606054, HP:0003571.

Submission:

Natera, Inc.
Classification: Likely pathogenic for Propionic acidemia. Last evaluated: 2025-03-28. Review status: criteria provided, single submitter. Criteria: Natera Variant Classification Schema (03/2026). Collection method: clinical testing. Allele origin: germline.
Comment: The c.929C>A variant in PCCB is a nonsense variant predicted to introduce a stop codon at amino acid 310. This variant is expected to result in nonsense mediated decay, truncation, or a dysfunctional protein product. This variant is rare in the general population with a frequency below the threshold expected for the associated phenotype(s). Given the available evidence, this variant is classified as Likely Pathogenic.